The following is an entry in ClinVar:

NM_000128.4(F11):c.1136-7_1136-4del

Gene: F11 (coagulation factor XI; plus strand). Cytogenetic location: 4q35.2.
Variant type: Deletion.
Coding change: c.1136-7_1136-4del on transcript NM_000128.4 (MANE Select); 7 bases into the intron before coding-DNA position 1136 through 4 bases into the intron before coding-DNA position 1136, 4 bases deleted (GTTG; older notation c.1136-7_1136-4delGTTG).
Molecular consequence: intron variant.
Genome position (GRCh38, 1-based): chr4:186,284,085-186,284,088, GTTG deleted. VCF-style (leftmost placement, unchanged base first): chr4-186284084-TGTTG-T. GRCh37 (hg19) VCF-style: chr4-187205238-TGTTG-T.
Other names: c.1136-7_1136-4delGTTG (NM_000128.3).
Identifiers: ClinVar variation 555987 (VCV000555987.15), dbSNP rs1439195599, ClinGen allele CA557055244.

ClinVar aggregate classification (germline): Pathogenic/Likely pathogenic. Review status: criteria provided, multiple submitters, no conflicts (2 of 4 stars). 5 submissions from 5 submitters: Pathogenic (3); Likely pathogenic (1). 1 of the submissions does not count toward it. Last evaluated 2025-06-22.

Conditions:
Hereditary factor XI deficiency disease. Also called: Congenital factor XI deficiency; PLASMA THROMBOPLASTIN ANTECEDENT DEFICIENCY; PTA DEFICIENCY; ROSENTHAL SYNDROME. Identifiers: Orphanet 329, MedGen C0015523, MeSH D005173, MONDO:0012897, OMIM 612416.
F11-related disorder. Also called: F11-related condition.
Plasma factor XI deficiency.

Allele frequency attached by ClinVar (database versions not stated): gnomAD exomes below 0.00001; TOPMed below 0.00001; gnomAD 0.00001.

Submissions (5):

Natera, Inc.
Classification: Pathogenic for Plasma factor XI deficiency. Last evaluated: 2025-06-22. Review status: criteria provided, single submitter. Criteria: Natera Variant Classification Schema (03/2026). Collection method: clinical testing. Allele origin: germline.
Comment: The c.1136-7_1136-4delGTTG variant in F11 is a frameshift variant predicted to shift the reading frame and introduce a stop codon. This variant is rare in the general population with a frequency below the threshold expected for the associated phenotype(s). This variant has been observed in one or more individuals affected with the associated recessive disease, as either homozygous or compound heterozygous with a second variant (PMID: 27067486, 38835089). Functional studies show that this variant may disrupt protein function (PMID: 27067486). Given the available evidence, this variant is classified as Pathogenic.

PreventionGenetics, part of Exact Sciences
Classification: Likely pathogenic for F11-related condition. Last evaluated: 2024-11-21. Review status: criteria provided, single submitter. Criteria: ACMG Guidelines, 2015. Collection method: clinical testing. Allele origin: germline.
Comment: The F11 c.1136-7_1136-4delGTTG variant is predicted to result in an intronic deletion. This variant has been reported in the homozygous and compound heterozygous states in multiple individuals with factor XI deficiency (Xie et al. 2005. PubMed ID: 15946525; Shao et al. 2016. PubMed ID: 27067486; Zhang et al. 2020. PubMed ID: 32464451). This variant is predicted to abolish the canonical splice acceptor site based on available splicing prediction programs (SpliceAI, Alamut Visual v1.6.1), and studies have shown that this variant alters mRNA splicing (Xie et al. 2005. PubMed ID: 15946525; Shao et al. 2016. PubMed ID: 27067486). This variant is reported in 0.0054% of alleles in individuals of East Asian descent in gnomAD and is interpreted as pathogenic/likely pathogenic in ClinVar. This variant is interpreted as likely pathogenic.

Labcorp Genetics (formerly Invitae), Labcorp
Classification: Pathogenic. Last evaluated: 2023-08-02. Review status: criteria provided, single submitter. Criteria: Invitae Variant Classification Sherloc (09022015). Collection method: clinical testing. Allele origin: germline.
Comment: This sequence change falls in intron 10 of the F11 gene. It does not directly change the encoded amino acid sequence of the F11 protein. It affects a nucleotide within the consensus splice site. This variant is present in population databases (no rsID available, gnomAD 0.006%). This variant has been observed in individuals with Factor XI deficiency (PMID: 15946525, 27067486). It has also been observed to segregate with disease in related individuals. ClinVar contains an entry for this variant (Variation ID: 555987). For these reasons, this variant has been classified as Pathogenic. Variants that disrupt the consensus splice site are a relatively common cause of aberrant splicing (PMID: 17576681, 9536098). Studies have shown that this variant alters mRNA splicing and is expected to lead to the loss of protein expression (PMID: 15946525, 27067486).

Juno Genomics, Hangzhou Juno Genomics, Inc
Classification: Pathogenic for Hereditary factor XI deficiency disease. Review status: criteria provided, single submitter. Criteria: ACMG Guidelines, 2015. Collection method: clinical testing. Allele origin: germline.
Comment: Absent from controls (or at extremely low frequency if recessive) in Genome Aggregation Database.;For recessive disorders, detected in trans with a pathogenic variant.;Patient's phenotype or family history is highly specific for a disease with a single genetic etiology.

Counsyl
Classification: Likely pathogenic for Hereditary factor XI deficiency disease. Last evaluated: 2018-01-05. Review status: no assertion criteria provided. Collection method: clinical testing. Allele origin: unknown. Not counted in ClinVar's aggregate classification.

Literature cited by the submitters: PubMed 27067486 (cited by 3 submitters); PubMed 38835089 (cited by Natera, Inc.); PubMed 15946525 (cited by Labcorp Genetics (formerly Invitae), Labcorp and Counsyl); PubMed 17576681 (cited by Labcorp Genetics (formerly Invitae), Labcorp); PubMed 9536098 (cited by Labcorp Genetics (formerly Invitae), Labcorp); PubMed 25681615 (cited by Counsyl).